The following is an entry in ClinVar:

ClinVar aggregate classification (germline): Uncertain significance. Review status: criteria provided, multiple submitters, no conflicts (2 of 4 stars). 3 submissions from 3 submitters: Uncertain significance (3). Last evaluated 2025-12-13.

Conditions:
MCM4-related disorder. Also called: MCM4-related condition.

Allele frequency attached by ClinVar (database versions not stated): gnomAD 0.00001; TOPMed 0.00001.
gnomAD v4.1: 17 of 1,614,070 alleles (0.0011%); highest among the groups gnomAD compares: Non-Finnish European, 0.0014%; no homozygotes.

Submissions (3):

PreventionGenetics, part of Exact Sciences
Classification: Uncertain significance for MCM4-related condition. Last evaluated: 2025-12-13. Review status: criteria provided, single submitter. Criteria: ACMG Guidelines, 2015. Collection method: clinical testing. Allele origin: germline.
Comment: The MCM4 c.2333C>G variant is predicted to result in the amino acid substitution p.Thr778Ser. To our knowledge, this variant has not been reported in the literature. This variant is reported in 0.0026% of alleles in individuals of European (Non-Finnish) descent in gnomAD. At this time, the clinical significance of this variant is uncertain due to the absence of conclusive functional and genetic evidence.

Labcorp Genetics (formerly Invitae), Labcorp
Classification: Uncertain significance. Last evaluated: 2022-01-22. Review status: criteria provided, single submitter. Criteria: Invitae Variant Classification Sherloc (09022015). Collection method: clinical testing. Allele origin: germline.
Comment: In summary, the available evidence is currently insufficient to determine the role of this variant in disease. Therefore, it has been classified as a Variant of Uncertain Significance. Algorithms developed to predict the effect of missense changes on protein structure and function (SIFT, PolyPhen-2, Align-GVGD) all suggest that this variant is likely to be tolerated. This variant has not been reported in the literature in individuals affected with MCM4-related conditions. This variant is present in population databases (rs752533055, gnomAD 0.003%). This sequence change replaces threonine, which is neutral and polar, with serine, which is neutral and polar, at codon 778 of the MCM4 protein (p.Thr778Ser).

Breakthrough Genomics
Classification: Uncertain significance. Review status: criteria provided, single submitter. Criteria: ACMG Guidelines, 2015. Collection method: not provided. Allele origin: germline. Inheritance: Autosomal recessive inheritance. Affected: yes.

NM_182746.3(MCM4):c.2333C>G (p.Thr778Ser)

Gene: MCM4 (minichromosome maintenance complex component 4; plus strand). Cytogenetic location: 8q11.21.
Variant type: single nucleotide variant.
Coding change: c.2333C>G on transcript NM_182746.3 (MANE Select); coding-DNA position 2333, C replaced by G.
Protein change: p.Thr778Ser; replaces threonine 778 with serine.
Molecular consequence: missense variant.
Genome position (GRCh38, 1-based): chr8:47,974,930, C>G. VCF-style: chr8-47974930-C-G. GRCh37 (hg19) VCF-style: chr8-48887490-C-G.
Other names: c.2333C>G, p.Thr778Ser (NM_005914.4); c.2333C>G (NM_005914.3); short protein forms T778S.
Identifiers: ClinVar variation 1417418 (VCV001417418.6), dbSNP rs752533055, ClinGen allele CA4742877.
Genomic context (GRCh38, chr8:47,974,930, plus strand): 5'-TGGAAGAGGCCAAACGCCTCCATCGGGAAGCTCTGAAGCAGTCTGCAACTGATCCCCGGA[C>G]TGGCATCGTGGACATATCTATTCTTACTACGGGTTCGTTATTTTCAGTGAACAGAAAAGC-3'
Protein context (NP_877423.1, residues 768-788): ALKQSATDPR[Thr778Ser]GIVDISILTT